The following is an entry in ClinVar:

ClinVar aggregate classification (germline): Conflicting classifications of pathogenicity. Review status: criteria provided, conflicting classifications (1 of 4 stars). 3 submissions from 3 submitters: Uncertain significance (1); Likely benign (2). Last evaluated 2026-08-01.

Conditions:
Glycogen storage disease, type VI (GSD6). Also called: Glycogen storage disease type 6, due to phosphorylation; GSD VI; Glycogen storage disease type 6; Hepatic glycogen phosphorylase deficiency; HERS DISEASE; PHOSPHORYLASE DEFICIENCY GLYCOGEN-STORAGE DISEASE OF LIVER. Identifiers: Orphanet 369, MedGen C0017925, MONDO:0009294, OMIM 232700.

Allele frequency attached by ClinVar (database versions not stated): 1000 Genomes Project 30x 0.00016; 1000 Genomes Project 0.00020; ExAC 0.00038; gnomAD exomes 0.00038 and 0.00054; gnomAD 0.00041 and 0.00042; TOPMed 0.00046; ESP Exome Variant Server 0.00062.
gnomAD v4.1: 847 of 1,614,174 alleles (0.052%); highest among the groups gnomAD compares: Non-Finnish European, 0.068%; 2 homozygotes.

Submissions (3):

CeGaT Center for Human Genetics Tuebingen
Classification: Likely benign. Last evaluated: 2026-08-01. Review status: criteria provided, single submitter. Criteria: CeGaT Center For Human Genetics Tuebingen Variant Classification Criteria Version 2. Collection method: clinical testing. Allele origin: germline. Affected: yes. Observed: 3 variant alleles.
Comment: PYGL: BP4, BP7

Labcorp Genetics (formerly Invitae), Labcorp
Classification: Likely benign for Glycogen storage disease, type VI. Last evaluated: 2025-12-20. Review status: criteria provided, single submitter. Criteria: Invitae Variant Classification Sherloc (09022015). Collection method: clinical testing. Allele origin: germline.

Illumina Laboratory Services, Illumina
Classification: Uncertain significance for Glycogen storage disease, type VI. Last evaluated: 2018-01-12. Review status: criteria provided, single submitter. Criteria: ICSL Variant Classification Criteria 13 December 2019. Collection method: clinical testing. Allele origin: germline.

NM_002863.5(PYGL):c.1920G>A (p.Lys640=)

Gene: PYGL (glycogen phosphorylase L; minus strand). Cytogenetic location: 14q22.1.
Variant type: single nucleotide variant.
Coding change: c.1920G>A on transcript NM_002863.5 (MANE Select); coding-DNA position 1920, G replaced by A.
Protein change: p.Lys640=; no amino-acid change (lysine 640 retained).
Molecular consequence: synonymous variant.
Genome position (GRCh38, 1-based): chr14:50,911,779, C>T on the plus strand (G>A on the coding strand, the complement: PYGL is on the minus strand). VCF-style: chr14-50911779-C-T. GRCh37 (hg19) VCF-style: chr14-51378497-C-T.
Other names: c.1818G>A, p.Lys606= (NM_001163940.2).
Identifiers: ClinVar variation 313321 (VCV000313321.38), dbSNP rs140296036, ClinGen allele CA7183290.
Genomic context (GRCh38, chr14:50,911,779, plus strand): 5'-GAGGGTAGTACCTTTTTCAGCAAGAGATACTCTGTAGTTCTCCAAGAAGATGACTTTCAA[C>T]TTGCTTCCAACCATAGGGTCATTGTTCACCACATCTGCCACTGAAGTGATCAGCTTTATG-3'
Protein context (NP_002854.3, residues 630-650): VVNNDPMVGS[Lys640=]LKVIFLENYR